The following is an entry in ClinVar:

NM_152703.5(SAMD9L):c.2649T>G (p.Cys883Trp)

Gene: SAMD9L (sterile alpha motif domain containing 9 like; minus strand). Cytogenetic location: 7q21.2.
Variant type: single nucleotide variant.
Coding change: c.2649T>G on transcript NM_152703.5 (MANE Select); coding-DNA position 2649, T replaced by G.
Protein change: p.Cys883Trp; replaces cysteine 883 with tryptophan.
Molecular consequence: missense variant.
Genome position (GRCh38, 1-based): chr7:93,133,323, A>C on the plus strand (T>G on the coding strand, the complement: SAMD9L is on the minus strand). VCF-style: chr7-93133323-A-C. GRCh37 (hg19) VCF-style: chr7-92762636-A-C.
Other names: c.2649T>G, p.Cys883Trp (NM_001303496.3, NM_001303497.3, NM_001303498.3 and 5 more transcripts); short protein forms C883W.
Identifiers: ClinVar variation 4630164 (VCV004630164.1).

ClinVar aggregate classification (germline): Uncertain significance (1 of 4 stars; one submission).

Conditions:
Inborn genetic diseases. Identifiers: MedGen C0950123, MeSH D030342.

Submission:

Ambry Genetics
Classification: Uncertain significance for Inborn genetic diseases. Last evaluated: 2025-12-08. Review status: criteria provided, single submitter. Criteria: Ambry Variant Classification Scheme 2023. Collection method: clinical testing. Allele origin: germline.
Comment: The p.C883W variant (also known as c.2649T>G), located in coding exon 1 of the SAMD9L gene, results from a T to G substitution at nucleotide position 2649. The cysteine at codon 883 is replaced by tryptophan, an amino acid with highly dissimilar properties. This amino acid position is conserved. In addition, this alteration is predicted to be tolerated by in silico analysis. Based on the available evidence, the clinical significance of this variant remains unclear.